The following is an entry in ClinVar:

NM_000391.4(TPP1):c.1156A>C (p.Thr386Pro)

Gene: TPP1 (tripeptidyl peptidase 1; minus strand). Cytogenetic location: 11p15.4.
Variant type: single nucleotide variant.
Coding change: c.1156A>C on transcript NM_000391.4 (MANE Select); coding-DNA position 1156, A replaced by C.
Protein change: p.Thr386Pro; replaces threonine 386 with proline.
Molecular consequence: missense variant.
Genome position (GRCh38, 1-based): chr11:6,615,552, T>G on the plus strand (A>C on the coding strand, the complement: TPP1 is on the minus strand). VCF-style: chr11-6615552-T-G. GRCh37 (hg19) VCF-style: chr11-6636783-T-G.
Other names: short protein forms T386P.
Identifiers: ClinVar variation 2069634 (VCV002069634.4), dbSNP rs2493797048, ClinGen allele CA379473172.

ClinVar aggregate classification (germline): Uncertain significance (1 of 4 stars; one submission).

Submission:

Labcorp Genetics (formerly Invitae), Labcorp
Classification: Uncertain significance. Last evaluated: 2022-01-02. Review status: criteria provided, single submitter. Criteria: Invitae Variant Classification Sherloc (09022015). Collection method: clinical testing. Allele origin: germline.
Comment: This sequence change replaces threonine, which is neutral and polar, with proline, which is neutral and non-polar, at codon 386 of the TPP1 protein (p.Thr386Pro). This variant is not present in population databases (gnomAD no frequency). This variant has not been reported in the literature in individuals affected with TPP1-related conditions. Advanced modeling of protein sequence and biophysical properties (such as structural, functional, and spatial information, amino acid conservation, physicochemical variation, residue mobility, and thermodynamic stability) performed at Invitae indicates that this missense variant is expected to disrupt TPP1 protein function. In summary, the available evidence is currently insufficient to determine the role of this variant in disease. Therefore, it has been classified as a Variant of Uncertain Significance.